The following is an entry in ClinVar:

NM_003737.4(DCHS1):c.4813C>T (p.Arg1605Trp)

Gene: DCHS1 (dachsous cadherin-related 1; minus strand). Cytogenetic location: 11p15.4.
Variant type: single nucleotide variant.
Coding change: c.4813C>T on transcript NM_003737.4 (MANE Select); coding-DNA position 4813, C replaced by T.
Protein change: p.Arg1605Trp; replaces arginine 1605 with tryptophan.
Molecular consequence: missense variant.
Genome position (GRCh38, 1-based): chr11:6,629,894, G>A on the plus strand (C>T on the coding strand, the complement: DCHS1 is on the minus strand). VCF-style: chr11-6629894-G-A. GRCh37 (hg19) VCF-style: chr11-6651125-G-A.
Other names: short protein forms R1605W.
Identifiers: ClinVar variation 4699554 (VCV004699554.1).

ClinVar aggregate classification (germline): Uncertain significance (1 of 4 stars; one submission).

gnomAD v4.1: 4 of 1,612,392 alleles (0.00025%); highest among the groups gnomAD compares: Non-Finnish European, 0.00025%; no homozygotes.

Submission:

Labcorp Genetics (formerly Invitae), Labcorp
Classification: Uncertain significance. Last evaluated: 2025-11-17. Review status: criteria provided, single submitter. Criteria: Invitae Variant Classification Sherloc (09022015). Collection method: clinical testing. Allele origin: germline.
Comment: This sequence change replaces arginine, which is basic and polar, with tryptophan, which is neutral and slightly polar, at codon 1605 of the DCHS1 protein (p.Arg1605Trp). This variant is present in population databases (rs764209544, gnomAD 0.004%). This variant has not been reported in the literature in individuals affected with DCHS1-related conditions. Invitae Evidence Modeling of protein sequence and biophysical properties (such as structural, functional, and spatial information, amino acid conservation, physicochemical variation, residue mobility, and thermodynamic stability) indicates that this missense variant is expected to disrupt DCHS1 protein function with a positive predictive value of 80%. In summary, the available evidence is currently insufficient to determine the role of this variant in disease. Therefore, it has been classified as a Variant of Uncertain Significance.